The following is an entry in ClinVar:

NM_000053.4(ATP7B):c.4185G>A (p.Leu1395=)

Gene: ATP7B (ATPase copper transporting beta; minus strand). Cytogenetic location: 13q14.3.
Variant type: single nucleotide variant.
Coding change: c.4185G>A on transcript NM_000053.4 (MANE Select); coding-DNA position 4185, G replaced by A.
Protein change: p.Leu1395=; no amino-acid change (leucine 1395 retained).
Molecular consequence: synonymous variant.
Genome position (GRCh38, 1-based): chr13:51,934,969, C>T on the plus strand (G>A on the coding strand, the complement: ATP7B is on the minus strand). VCF-style: chr13-51934969-C-T. GRCh37 (hg19) VCF-style: chr13-52509105-C-T.
Other names: c.3564G>A, p.Leu1188= (NM_001005918.3); c.3852G>A, p.Leu1284= (NM_001243182.2); c.3951G>A, p.Leu1317= (NM_001330578.2); c.3933G>A, p.Leu1311= (NM_001330579.2).
Identifiers: ClinVar variation 760410 (VCV000760410.13), dbSNP rs368801566, ClinGen allele CA6988460.

ClinVar aggregate classification (germline): Likely benign. Review status: criteria provided, multiple submitters, no conflicts (2 of 4 stars). 5 submissions from 5 submitters: Likely benign (5). Last evaluated 2025-10-23.

Conditions:
Wilson disease (WND). Also called: Wilson's disease. Identifiers: Orphanet 905, MedGen C0019202, MONDO:0010200, OMIM 277900. Disease mechanism: loss of function.
Inborn genetic diseases. Identifiers: MedGen C0950123, MeSH D030342.

Allele frequency attached by ClinVar (database versions not stated): ExAC 0.00002; ESP Exome Variant Server 0.00008.
gnomAD v4.1: 60 of 1,613,956 alleles (0.0037%); highest among the groups gnomAD compares: Middle Eastern, 0.033%; 1 homozygote.

Submissions (5):

Ambry Genetics
Classification: Likely benign for Inborn genetic diseases. Last evaluated: 2025-10-23. Review status: criteria provided, single submitter. Criteria: Ambry Variant Classification Scheme 2023. Collection method: clinical testing. Allele origin: germline.

Labcorp Genetics (formerly Invitae), Labcorp
Classification: Likely benign for Wilson disease. Last evaluated: 2025-08-18. Review status: criteria provided, single submitter. Criteria: Invitae Variant Classification Sherloc (09022015). Collection method: clinical testing. Allele origin: germline.

Blueprint Genetics
Classification: Likely benign. Last evaluated: 2024-11-25. Review status: criteria provided, single submitter. Criteria: ACMG Guidelines, 2015. Collection method: clinical testing. Allele origin: germline.

All of Us Research Program, National Institutes of Health
Classification: Likely benign for Wilson disease. Last evaluated: 2024-02-05. Review status: criteria provided, single submitter. Criteria: ACMG Guidelines, 2015. Collection method: clinical testing. Allele origin: germline. Inheritance: Autosomal recessive inheritance. Observed: 10 variant alleles, 10 heterozygotes.
Comment: This study involves interpretation of variants in research participants for the purpose of population health screening. Participant phenotype was not available at the time of variant classification. Additional details can be found in publication PMID: 35346344, PMCID: PMC8962531

Color Diagnostics, LLC DBA Color Health
Classification: Likely benign for Wilson disease. Last evaluated: 2022-08-02. Review status: criteria provided, single submitter. Criteria: ACMG Guidelines, 2015. Collection method: clinical testing. Allele origin: germline.